The following is an entry in ClinVar:

ClinVar aggregate classification (germline): Uncertain significance. Review status: criteria provided, multiple submitters, no conflicts (2 of 4 stars). 3 submissions from 3 submitters: Uncertain significance (3). Last evaluated 2026-01-09.

Conditions:
Hereditary cancer-predisposing syndrome. Also called: Hereditary neoplastic syndrome; Neoplastic Syndromes, Hereditary; Tumor predisposition; Hereditary Cancer Syndrome. Identifiers: Orphanet 140162, MedGen C0027672, MeSH D009386, MONDO:0015356.
Familial cancer of breast. Also called: Hereditary breast cancer; hereditary breast carcinoma; BREAST CANCER, FAMILIAL. Identifiers: Orphanet 227535, MedGen C0346153, MONDO:0016419, OMIM 114480. Disease mechanism: loss of function.
Ataxia-telangiectasia syndrome (AT). Also called: Ataxia telangiectasia (A-T); LOUIS-BAR SYNDROME; Cerebello-oculocutaneous telangiectasia; Immunodeficiency with ataxia telangiectasia; Ataxia-telangiectasia, complementation group D; AT, COMPLEMENTATION GROUP C. Identifiers: Orphanet 100, MedGen C0004135, MONDO:0008840, OMIM 208900.

Submissions (3):

Labcorp Genetics (formerly Invitae), Labcorp
Classification: Uncertain significance for Ataxia-telangiectasia syndrome. Last evaluated: 2026-01-09. Review status: criteria provided, single submitter. Criteria: Invitae Variant Classification Sherloc (09022015). Collection method: clinical testing. Allele origin: germline.
Comment: This sequence change replaces glycine, which is neutral and non-polar, with glutamic acid, which is acidic and polar, at codon 330 of the ATM protein (p.Gly330Glu). This variant is not present in population databases (gnomAD no frequency). This variant has not been reported in the literature in individuals affected with ATM-related conditions. ClinVar contains an entry for this variant (Variation ID: 407578). Invitae Evidence Modeling of protein sequence and biophysical properties (such as structural, functional, and spatial information, amino acid conservation, physicochemical variation, residue mobility, and thermodynamic stability) indicates that this missense variant is not expected to disrupt ATM protein function with a negative predictive value of 95%. In summary, the available evidence is currently insufficient to determine the role of this variant in disease. Therefore, it has been classified as a Variant of Uncertain Significance.

Ambry Genetics
Classification: Uncertain significance for Hereditary cancer-predisposing syndrome. Last evaluated: 2024-10-30. Review status: criteria provided, single submitter. Criteria: Ambry Variant Classification Scheme 2023. Collection method: clinical testing. Allele origin: germline.
Comment: The p.G330E variant (also known as c.989G>A), located in coding exon 7 of the ATM gene, results from a G to A substitution at nucleotide position 989. The glycine at codon 330 is replaced by glutamic acid, an amino acid with similar properties. This amino acid position is highly conserved in available vertebrate species. In addition, this alteration is predicted to be deleterious by in silico analysis. Based on the available evidence, the clinical significance of this variant remains unclear.

Baylor Genetics
Classification: Uncertain significance for Familial cancer of breast. Last evaluated: 2023-07-20. Review status: criteria provided, single submitter. Criteria: ACMG Guidelines, 2015. Collection method: clinical testing. Allele origin: unknown.

NM_000051.4(ATM):c.989G>A (p.Gly330Glu)

Gene: ATM (ATM serine/threonine kinase; plus strand). Cytogenetic location: 11q22.3.
Variant type: single nucleotide variant.
Coding change: c.989G>A on transcript NM_000051.4 (MANE Select); coding-DNA position 989, G replaced by A.
Protein change: p.Gly330Glu; replaces glycine 330 with glutamic acid.
Molecular consequence: missense variant.
Genome position (GRCh38, 1-based): chr11:108,247,051, G>A. VCF-style: chr11-108247051-G-A. GRCh37 (hg19) VCF-style: chr11-108117778-G-A.
Other names: c.989G>A, p.Gly330Glu (NM_001351834.2); short protein forms G330E.
Identifiers: ClinVar variation 407578 (VCV000407578.11), dbSNP rs762179829, ClinGen allele CA16613258.